The following is an entry in ClinVar:

NM_170754.4(TNS2):c.2855C>G (p.Ala952Gly)

Gene: TNS2 (tensin 2; plus strand). Cytogenetic location: 12q13.13.
Variant type: single nucleotide variant.
Coding change: c.2855C>G on transcript NM_170754.4 (MANE Select); coding-DNA position 2855, C replaced by G.
Protein change: p.Ala952Gly; replaces alanine 952 with glycine.
Molecular consequence: missense variant.
Genome position (GRCh38, 1-based): chr12:53,060,761, C>G. VCF-style: chr12-53060761-C-G. GRCh37 (hg19) VCF-style: chr12-53454545-C-G.
Other names: c.2855C>G, p.Ala952Gly (NM_001416202.1); c.2813C>G, p.Ala938Gly (NM_001416203.1); c.2882C>G, p.Ala961Gly (NM_001416204.1); c.2786C>G, p.Ala929Gly (NM_015319.3); c.2483C>G, p.Ala828Gly (NM_198316.2); short protein forms A952G, A962G, A828G, A929G, A938G, A961G.
Identifiers: ClinVar variation 2044956 (VCV002044956.7), dbSNP rs142497165, ClinGen allele CA6592719.
Genomic context (GRCh38, chr12:53,060,761, plus strand): 5'-CCACCTCAGCGCCCACTCAGAGACTGAGTCCTGGCGAGGCCTTGCCCCCTGTTTCCCAGG[C>G]AGGCACCGGAAAGGCCCCTGAGCTGCCGTCGGGAAGTGGGCCTGAGCCTCTGGCCCCTAG-3'
Protein context (NP_736610.2, residues 942-962): PGEALPPVSQ[Ala952Gly]GTGKAPELPS

ClinVar aggregate classification (germline): Likely benign. Review status: criteria provided, multiple submitters, no conflicts (2 of 4 stars). 3 submissions from 3 submitters: Likely benign (2). 1 of the submissions does not count toward it. Last evaluated 2025-12-29.

Conditions:
TNS2-related disorder. Also called: TNS2-related condition.

Allele frequency attached by ClinVar (database versions not stated): ExAC 0.00057; 1000 Genomes Project 30x 0.00156; 1000 Genomes Project 0.00180; ESP Exome Variant Server 0.00284.
gnomAD v4.1: 470 of 1,612,008 alleles (0.029%); highest among the groups gnomAD compares: African/African-American, 0.56%; 1 homozygote.

Submissions (3):

Labcorp Genetics (formerly Invitae), Labcorp
Classification: Likely benign. Last evaluated: 2025-12-29. Review status: criteria provided, single submitter. Criteria: Invitae Variant Classification Sherloc (09022015). Collection method: clinical testing. Allele origin: germline.

Ambry Genetics
Classification: Likely benign. Last evaluated: 2025-11-20. Review status: criteria provided, single submitter. Criteria: Ambry Variant Classification Scheme 2023. Collection method: clinical testing. Allele origin: germline.

PreventionGenetics, part of Exact Sciences
Classification: Likely benign for TNS2-related condition. Last evaluated: 2020-09-02. Review status: no assertion criteria provided. Collection method: clinical testing. Allele origin: germline. Not counted in ClinVar's aggregate classification.
Comment: This variant is classified as likely benign based on ACMG/AMP sequence variant interpretation guidelines (Richards et al. 2015 PMID: 25741868, with internal and published modifications).